The following is an entry in ClinVar:

NM_002303.6(LEPR):c.1406G>A (p.Ser469Asn)

Gene: LEPR (leptin receptor; plus strand). Cytogenetic location: 1p31.3.
Variant type: single nucleotide variant.
Coding change: c.1406G>A on transcript NM_002303.6 (MANE Select); coding-DNA position 1406, G replaced by A.
Protein change: p.Ser469Asn; replaces serine 469 with asparagine.
Molecular consequence: missense variant.
Genome position (GRCh38, 1-based): chr1:65,605,040, G>A. VCF-style: chr1-65605040-G-A. GRCh37 (hg19) VCF-style: chr1-66070723-G-A.
Other names: c.1406G>A, p.Ser469Asn (NM_001003679.3, NM_001003680.3, NM_001198687.2 and 2 more transcripts); short protein forms S469N.
Identifiers: ClinVar variation 5001922 (VCV005001922.1).

ClinVar aggregate classification (germline): Uncertain significance (1 of 4 stars; one submission).

Conditions:
LEPR-related disorder. Also called: LEPR-related disorders; LEPR-related condition.

Submission:

PreventionGenetics, part of Exact Sciences
Classification: Uncertain significance for LEPR-related condition. Last evaluated: 2025-03-10. Review status: criteria provided, single submitter. Criteria: ACMG Guidelines, 2015. Collection method: clinical testing. Allele origin: germline.
Comment: The LEPR c.1406G>A variant is predicted to result in the amino acid substitution p.Ser469Asn. This variant was observed in a cohort of individuals with obesity, and in vitro functional studies showed function similar to wild-type levels (Supplemental Data Set, Shah et al. 2023. PubMed ID: 36864747). This variant has not been reported in a large population database (gnomAD), indicating this variant is rare. At this time, the clinical significance of this variant is uncertain due to the absence of conclusive functional and genetic evidence.